The following is an entry in ClinVar:

NM_005896.4(IDH1):c.808A>G (p.Lys270Glu)

Gene: IDH1 (isocitrate dehydrogenase (NADP(+)) 1; minus strand). Cytogenetic location: 2q34.
Variant type: single nucleotide variant.
Coding change: c.808A>G on transcript NM_005896.4 (MANE Select); coding-DNA position 808, A replaced by G.
Protein change: p.Lys270Glu; replaces lysine 270 with glutamic acid.
Molecular consequence: missense variant.
Genome position (GRCh38, 1-based): chr2:208,242,036, T>C on the plus strand (A>G on the coding strand, the complement: IDH1 is on the minus strand). VCF-style: chr2-208242036-T-C. GRCh37 (hg19) VCF-style: chr2-209106760-T-C.
Other names: c.808A>G, p.Lys270Glu (NM_001282386.1, NM_001282387.1); short protein forms K270E.
Identifiers: ClinVar variation 1761930 (VCV001761930.2), dbSNP rs1559359775, ClinGen allele CA350096221.
Genomic context (GRCh38, chr2:208,242,036, plus strand): 5'-CAGGCTCCACCTCTGTACCTTGGGCCACAGAGTCCGACTGCACGTCACCATCATAGTTTT[T>C]ACAGGCCCAGATGAAGCCTCCCTCTGATTTCATAGCTTGGGCCACCATGTCGTCGATGAG-3'
Protein context (NP_005887.2, residues 260-280): KSEGGFIWAC[Lys270Glu]NYDGDVQSDS

ClinVar aggregate classification (germline): Uncertain significance (1 of 4 stars; one submission).

Allele frequency attached by ClinVar (database versions not stated): gnomAD exomes below 0.00001.
gnomAD v4.1: 1 of 1,612,940 alleles (0.000062%); highest among the groups gnomAD compares: Non-Finnish European, 0.000085%; no homozygotes.

Submission:

Ambry Genetics
Classification: Uncertain significance. Last evaluated: 2021-08-10. Review status: criteria provided, single submitter. Criteria: Ambry Variant Classification Scheme 2023. Collection method: clinical testing. Allele origin: germline.
Comment: The p.K270E variant (also known as c.808A>G), located in coding exon 5 of the IDH1 gene, results from an A to G substitution at nucleotide position 808. The lysine at codon 270 is replaced by glutamic acid, an amino acid with similar properties. This amino acid position is conserved. In addition, this alteration is predicted to be deleterious by in silico analysis. Since supporting evidence is limited at this time, the clinical significance of this alteration remains unclear.